The following is an entry in ClinVar:

ClinVar aggregate classification (germline): Uncertain significance (1 of 4 stars; one submission).

Conditions:
X-linked immunodeficiency with magnesium defect, Epstein-Barr virus infection and neoplasia. Identifiers: Orphanet 317476, MedGen C3275445, MONDO:0010455, OMIM 300853.

Allele frequency attached by ClinVar (database versions not stated): TOPMed 0.00002; gnomAD exomes 0.00001; ExAC 0.00009; gnomAD 0.00001.
gnomAD v4.1: 7 of 1,174,985 alleles (0.0006%); highest among the groups gnomAD compares: Non-Finnish European, 0.0008%; no homozygotes.

Submission:

Labcorp Genetics (formerly Invitae), Labcorp
Classification: Uncertain significance for X-linked immunodeficiency with magnesium defect, Epstein-Barr virus infection and neoplasia. Last evaluated: 2025-02-04. Review status: criteria provided, single submitter. Criteria: Invitae Variant Classification Sherloc (09022015). Collection method: clinical testing. Allele origin: germline.
Comment: This sequence change replaces proline, which is neutral and non-polar, with leucine, which is neutral and non-polar, at codon 7 of the MAGT1 protein (p.Pro7Leu). This variant is present in population databases (rs782236681, gnomAD 0.004%), including at least one homozygous and/or hemizygous individual. This variant has not been reported in the literature in individuals affected with MAGT1-related conditions. ClinVar contains an entry for this variant (Variation ID: 1924185). An algorithm developed to predict the effect of missense changes on protein structure and function outputs the following: PolyPhen-2: "Benign". The leucine amino acid residue is found in multiple mammalian species, which suggests that this missense change does not adversely affect protein function. Algorithms developed to predict the effect of sequence changes on RNA splicing suggest that this variant may create or strengthen a splice site. In summary, the available evidence is currently insufficient to determine the role of this variant in disease. Therefore, it has been classified as a Variant of Uncertain Significance.

NM_032121.5(MAGT1):c.20C>T (p.Pro7Leu)

Gene: MAGT1 (magnesium transporter 1; minus strand). Cytogenetic location: Xq21.1.
Variant type: single nucleotide variant.
Coding change: c.20C>T on transcript NM_032121.5; coding-DNA position 20, C replaced by T.
Protein change: p.Pro7Leu; replaces proline 7 with leucine.
Molecular consequence: missense variant.
Genome position (GRCh38, 1-based): chrX:77,895,487, G>A on the plus strand (C>T on the coding strand, the complement: MAGT1 is on the minus strand). VCF-style: chrX-77895487-G-A. GRCh37 (hg19) VCF-style: chrX-77150984-G-A.
Other names: short protein forms P7L.
Identifiers: ClinVar variation 1924185 (VCV001924185.4), dbSNP rs782236681, ClinGen allele CA10458636.